The following is an entry in ClinVar:

ClinVar aggregate classification (germline): Uncertain significance. Review status: criteria provided, multiple submitters, no conflicts (2 of 4 stars). 6 submissions from 6 submitters: Uncertain significance (6). Last evaluated 2025-12-23.

Conditions:
Cardiovascular phenotype. Identifiers: MedGen CN230736.
Catecholaminergic polymorphic ventricular tachycardia (CVPT). Also called: Catecholamine-induced polymorphic ventricular tachycardia. Identifiers: Orphanet 3286, MedGen C5574922, MONDO:0017990.
Cardiomyopathy (CMYO). Also called: Cardiomyopathies. Identifiers: Orphanet 167848, MedGen C0878544, MONDO:0004994, HP:0001638. Inheritance: Various modes of inheritance.
Catecholaminergic polymorphic ventricular tachycardia 1. Also called: VENTRICULAR TACHYCARDIA, CATECHOLAMINERGIC POLYMORPHIC, 1, WITH OR WITHOUT ATRIAL DYSFUNCTION AND/OR DILATED CARDIOMYOPATHY; RYR2-Related Catecholaminergic Polymorphic Ventricular Tachycardia; VENTRICULAR TACHYCARDIA, STRESS-INDUCED POLYMORPHIC 1. Identifiers: Orphanet 3286, MedGen C1631597, MONDO:0011484, OMIM 604772.

Allele frequency attached by ClinVar (database versions not stated): ExAC 0.00001; gnomAD 0.00002; gnomAD exomes 0.00002 and 0.00003; TOPMed 0.00002.
gnomAD v4.1: 33 of 1,613,732 alleles (0.002%); highest among the groups gnomAD compares: Admixed American, 0.0033%; no homozygotes.

Submissions (6):

Labcorp Genetics (formerly Invitae), Labcorp
Classification: Uncertain significance for Catecholaminergic polymorphic ventricular tachycardia 1. Last evaluated: 2025-12-23. Review status: criteria provided, single submitter. Criteria: Invitae Variant Classification Sherloc (09022015). Collection method: clinical testing. Allele origin: germline.
Comment: This sequence change replaces glutamic acid, which is acidic and polar, with lysine, which is basic and polar, at codon 2355 of the RYR2 protein (p.Glu2355Lys). This variant is present in population databases (rs754990305, gnomAD 0.006%). This variant has not been reported in the literature in individuals affected with RYR2-related conditions. ClinVar contains an entry for this variant (Variation ID: 922765). Invitae Evidence Modeling of protein sequence and biophysical properties (such as structural, functional, and spatial information, amino acid conservation, physicochemical variation, residue mobility, and thermodynamic stability) has been performed for this missense variant. However, the output from this modeling did not meet the statistical confidence thresholds required to predict the impact of this variant on RYR2 protein function. In summary, the available evidence is currently insufficient to determine the role of this variant in disease. Therefore, it has been classified as a Variant of Uncertain Significance.

Women's Health and Genetics/Laboratory Corporation of America, LabCorp
Classification: Uncertain significance. Last evaluated: 2025-06-03. Review status: criteria provided, single submitter. Criteria: LabCorp Variant Classification Summary - May 2015. Collection method: clinical testing. Allele origin: germline.
Comment: Variant summary: RYR2 c.7063G>A (p.Glu2355Lys) results in a conservative amino acid change in the encoded protein sequence. Algorithms developed to predict the effect of missense changes on protein structure and function are either unavailable or do not agree on the potential impact of this missense change. The variant allele was found at a frequency of 3.2e-05 in 248914 control chromosomes. The available data on variant occurrences in the general population are insufficient to allow any conclusion about variant significance. To our knowledge, no occurrence of c.7063G>A in individuals affected with Catecholaminergic Polymorphic Ventricular Tachycardia and no experimental evidence demonstrating its impact on protein function have been reported. ClinVar contains an entry for this variant (Variation ID: 922765). Based on the evidence outlined above, the variant was classified as uncertain significance.

Color Diagnostics, LLC DBA Color Health
Classification: Uncertain significance for Cardiomyopathy. Last evaluated: 2025-05-27. Review status: criteria provided, single submitter. Criteria: ACMG Guidelines, 2015. Collection method: clinical testing. Allele origin: germline.
Comment: This missense variant replaces glutamic acid with lysine at codon 2355 of the RYR2 protein. Computational prediction is inconclusive regarding the impact of this variant on protein structure and function. To our knowledge, functional studies have not been reported for this variant. This variant has not been reported in individuals affected with RYR2-related disorders in the literature. This variant has been identified in 8/248914 chromosomes in the general population by the Genome Aggregation Database (gnomAD). The available evidence is insufficient to determine the role of this variant in disease conclusively. Therefore, this variant is classified as a Variant of Uncertain Significance.

Ambry Genetics
Classification: Uncertain significance for Cardiovascular phenotype. Last evaluated: 2024-08-02. Review status: criteria provided, single submitter. Criteria: Ambry Variant Classification Scheme 2023. Collection method: clinical testing. Allele origin: germline.
Comment: The p.E2355K variant (also known as c.7063G>A), located in coding exon 46 of the RYR2 gene, results from a G to A substitution at nucleotide position 7063. The glutamic acid at codon 2355 is replaced by lysine, an amino acid with similar properties. This amino acid position is well conserved in available vertebrate species. In addition, the in silico prediction for this alteration is inconclusive. Since supporting evidence is limited at this time, the clinical significance of this alteration remains unclear.

All of Us Research Program, National Institutes of Health
Classification: Uncertain significance for Catecholaminergic polymorphic ventricular tachycardia. Last evaluated: 2023-12-13. Review status: criteria provided, single submitter. Criteria: ACMG Guidelines, 2015. Collection method: clinical testing. Allele origin: germline. Inheritance: Autosomal dominant inheritance. Observed: 7 variant alleles, 7 heterozygotes.
Comment: This missense variant replaces glutamic acid with lysine at codon 2355 of the RYR2 protein. Computational prediction suggests that this variant may have deleterious impact on protein structure and function (internally defined REVEL score threshold >= 0.7, PMID: 27666373). Splice site prediction tools suggest that this variant may not impact RNA splicing. To our knowledge, functional studies have not been performed for this variant. This variant has not been reported in individuals affected with cardiovascular disorders in the literature. This variant has been identified in 8/248914 chromosomes in the general population by the Genome Aggregation Database (gnomAD). The available evidence is insufficient to determine the role of this variant in disease conclusively. Therefore, this variant is classified as a Variant of Uncertain Significance.

This study involves interpretation of variants in research participants for the purpose of population health screening. Participant phenotype was not available at the time of variant classification. Additional details can be found in publication PMID: 35346344, PMCID: PMC8962531

GeneDx
Classification: Uncertain significance. Last evaluated: 2020-10-23. Review status: criteria provided, single submitter. Criteria: GeneDx Variant Classification Process June 2021. Collection method: clinical testing. Allele origin: germline. Affected: yes.
Comment: Has not been previously published as pathogenic or benign to our knowledge; In silico analysis, which includes protein predictors and evolutionary conservation, supports a deleterious effect; Is located in one of the three hot-spot regions of the RYR2 gene, where the majority of pathogenic missense variants occur (Medeiros-Domingo et al., 2009)

NM_001035.3(RYR2):c.7063G>A (p.Glu2355Lys)

Gene: RYR2 (ryanodine receptor 2; plus strand). Cytogenetic location: 1q43.
Variant type: single nucleotide variant.
Coding change: c.7063G>A on transcript NM_001035.3 (MANE Select); coding-DNA position 7063, G replaced by A.
Protein change: p.Glu2355Lys; replaces glutamic acid 2355 with lysine.
Molecular consequence: missense variant.
Genome position (GRCh38, 1-based): chr1:237,639,149, G>A. VCF-style: chr1-237639149-G-A. GRCh37 (hg19) VCF-style: chr1-237802449-G-A.
Other names: short protein forms E2355K.
Identifiers: ClinVar variation 922765 (VCV000922765.25), dbSNP rs754990305, ClinGen allele CA087272.